The following is an entry in ClinVar:

NM_001267550.2(TTN):c.61149G>C (p.Lys20383Asn)

Genes: TTN (titin; minus strand), TTN-AS1 (TTN antisense RNA 1; plus strand). Cytogenetic location: 2q31.2.
Variant type: single nucleotide variant.
Coding change: c.61149G>C on transcript NM_001267550.2 (MANE Select); coding-DNA position 61149, G replaced by C.
Protein change: p.Lys20383Asn; replaces lysine 20383 with asparagine.
Molecular consequence: missense variant.
Genome position (GRCh38, 1-based): chr2:178,590,576, C>G on the plus strand (G>C on the coding strand, the complement: TTN is on the minus strand). VCF-style: chr2-178590576-C-G. GRCh37 (hg19) VCF-style: chr2-179455303-C-G.
Other names: c.56226G>C, p.Lys18742Asn (NM_001256850.1); c.33954G>C, p.Lys11318Asn (NM_003319.4); c.34329G>C, p.Lys11443Asn (NM_133432.3); c.34530G>C, p.Lys11510Asn (NM_133437.4); c.53445G>C, p.Lys17815Asn (NM_133378.4); short protein forms K17815N, K20383N, K11318N, K11443N, K11510N, K18742N.
Identifiers: ClinVar variation 179586 (VCV000179586.5), dbSNP rs727504968, ClinGen allele CA184721.
Genomic context (GRCh38, chr2:178,590,576, plus strand): 5'-AATGGGGCTACCACCATCACTGAGAGGCTTTGTCCACACCAAATCAGCTGTTTCTCTGCT[C>G]TTGTCTTTCAGTTTAGGATTAATAGGTGGTCCAGGTGGTTTGATGGGCCGGCAAGCTTTT-3'
Protein context (NP_001254479.2, residues 20373-20393): GPPINPKLKD[Lys20383Asn]SRETADLVWT

ClinVar aggregate classification (germline): Uncertain significance (1 of 4 stars; one submission).

Allele frequency attached by ClinVar (database versions not stated): gnomAD exomes 0.00001; TOPMed below 0.00001; ExAC 0.00001; gnomAD 0.00001.
gnomAD v4.1: 5 of 1,612,430 alleles (0.00031%); highest among the groups gnomAD compares: African/African-American, 0.0067%; no homozygotes.

Submission:

Laboratory for Molecular Medicine, Mass General Brigham Personalized Medicine
Classification: Uncertain significance. Last evaluated: 2014-03-05. Review status: criteria provided, single submitter. Criteria: LMM Criteria. Collection method: clinical testing. Allele origin: germline. Observed: 1 variant allele.
Comment: The Lys17815Asn variant in TTN has not been reported in individuals with cardiom yopathy or in large population studies. Computational prediction tools and conse rvation analysis suggest that the Lys17815Asn variant may impact the protein, th ough this information is not predictive enough to determine pathogenicity. Addit ional information is needed to fully assess the clinical significance of the Lys 17815Asn variant.